The following is an entry in ClinVar:

NM_005045.4(RELN):c.1132G>A (p.Ala378Thr)

Gene: RELN (reelin; minus strand). Cytogenetic location: 7q22.1.
Variant type: single nucleotide variant.
Coding change: c.1132G>A on transcript NM_005045.4 (MANE Select); coding-DNA position 1132, G replaced by A.
Protein change: p.Ala378Thr; replaces alanine 378 with threonine.
Molecular consequence: missense variant.
Genome position (GRCh38, 1-based): chr7:103,697,864, C>T on the plus strand (G>A on the coding strand, the complement: RELN is on the minus strand). VCF-style: chr7-103697864-C-T. GRCh37 (hg19) VCF-style: chr7-103338311-C-T.
Other names: c.1132G>A, p.Ala378Thr (NM_173054.3); short protein forms A378T.
Identifiers: ClinVar variation 1028330 (VCV001028330.1), dbSNP rs1834010274, ClinGen allele CA368927410.

ClinVar aggregate classification (germline): Uncertain significance (1 of 4 stars; one submission).

Conditions:
Norman-Roberts syndrome (LIS2). Also called: Lissencephaly 2 (Norman-Roberts type). Identifiers: Orphanet 89844, MedGen C0796089, MONDO:0009760, OMIM 257320.

gnomAD v4.1: 3 of 1,613,610 alleles (0.00019%); highest among the groups gnomAD compares: East Asian, 0.0022%; no homozygotes.

Submission:

Baylor Genetics
Classification: Uncertain significance for Norman-Roberts syndrome. Last evaluated: 2020-03-13. Review status: criteria provided, single submitter. Criteria: ACMG Guidelines, 2015. Collection method: clinical testing. Allele origin: unknown. Affected: yes.
Comment: This variant was determined to be of uncertain significance according to ACMG Guidelines, 2015 [PMID:25741868].